The following is an entry in ClinVar:

ClinVar aggregate classification (germline): Uncertain significance. Review status: criteria provided, multiple submitters, no conflicts (2 of 4 stars). 3 submissions from 3 submitters: Uncertain significance (3). Last evaluated 2024-08-09.

Conditions:
Epilepsy. Also called: Seizure disorder. Identifiers: MedGen C0014544, MeSH D004827, MONDO:0005027.

Allele frequency attached by ClinVar (database versions not stated): TOPMed 0.00003.
gnomAD v4.1: 55 of 1,606,902 alleles (0.0034%); highest among the groups gnomAD compares: Admixed American, 0.035%; no homozygotes.

Submissions (3):

Blueprint Genetics
Classification: Uncertain significance. Last evaluated: 2024-08-09. Review status: criteria provided, single submitter. Criteria: ACMG Guidelines, 2015. Collection method: clinical testing. Allele origin: germline.

Labcorp Genetics (formerly Invitae), Labcorp
Classification: Uncertain significance for Epilepsy. Last evaluated: 2022-10-03. Review status: criteria provided, single submitter. Criteria: Invitae Variant Classification Sherloc (09022015). Collection method: clinical testing. Allele origin: germline.
Comment: This sequence change replaces arginine, which is basic and polar, with cysteine, which is neutral and slightly polar, at codon 516 of the PIGQ protein (p.Arg516Cys). This variant is present in population databases (rs144613953, gnomAD 0.05%). This variant has not been reported in the literature in individuals affected with PIGQ-related conditions. ClinVar contains an entry for this variant (Variation ID: 659666). Algorithms developed to predict the effect of missense changes on protein structure and function are either unavailable or do not agree on the potential impact of this missense change (SIFT: "Deleterious"; PolyPhen-2: "Possibly Damaging"; Align-GVGD: "Class C15"). In summary, the available evidence is currently insufficient to determine the role of this variant in disease. Therefore, it has been classified as a Variant of Uncertain Significance.

GeneDx
Classification: Uncertain significance. Last evaluated: 2022-04-07. Review status: criteria provided, single submitter. Criteria: GeneDx Variant Classification Process June 2021. Collection method: clinical testing. Allele origin: germline. Affected: yes.
Comment: In silico analysis supports that this missense variant has a deleterious effect on protein structure/function; Has not been previously published as pathogenic or benign to our knowledge

NM_004204.5(PIGQ):c.1546C>T (p.Arg516Cys)

Gene: PIGQ (phosphatidylinositol glycan anchor biosynthesis class Q; plus strand). Cytogenetic location: 16p13.3.
Variant type: single nucleotide variant.
Coding change: c.1546C>T on transcript NM_004204.5 (MANE Select); coding-DNA position 1546, C replaced by T.
Protein change: p.Arg516Cys; replaces arginine 516 with cysteine.
Molecular consequence: missense variant. On other transcripts: intron variant (1).
Genome position (GRCh38, 1-based): chr16:582,262, C>T. VCF-style: chr16-582262-C-T. GRCh37 (hg19) VCF-style: chr16-632262-C-T.
Other names: c.1532-621C>T (NM_148920.4); short protein forms R516C.
Identifiers: ClinVar variation 659666 (VCV000659666.8), dbSNP rs144613953, ClinGen allele CA7780434.
Genomic context (GRCh38, chr16:582,262, plus strand): 5'-GCCAGCCCCCACGCGTCCCCTCGTCAGCCGCTTGCTATCCTTGCAGCTGGCGTGAAGTTC[C>T]GTGTCCTCCGGCACGAGGCCGGCAGGCCCCTCCGCCTCCTGATGCAGGTGAGGCCCCTTG-3'
Protein context (NP_004195.2, residues 506-526): PYRLAAGVKF[Arg516Cys]VLRHEAGRPL